The following is an entry in ClinVar:

ClinVar aggregate classification (germline): Uncertain significance. Review status: criteria provided, multiple submitters, no conflicts (2 of 4 stars). 2 submissions from 2 submitters: Uncertain significance (2). Last evaluated 2025-10-06.

Conditions:
Multiple endocrine neoplasia type 4. Also called: MULTIPLE ENDOCRINE NEOPLASIA, TYPE IV. Identifiers: Orphanet 276152, MedGen C1970712, MONDO:0012552, OMIM 610755.
Hereditary cancer-predisposing syndrome. Also called: Tumor predisposition; Neoplastic Syndromes, Hereditary; Hereditary Cancer Syndrome; Hereditary neoplastic syndrome. Identifiers: Orphanet 140162, MedGen C0027672, MeSH D009386, MONDO:0015356.

Submissions (2):

Labcorp Genetics (formerly Invitae), Labcorp
Classification: Uncertain significance for Multiple endocrine neoplasia type 4. Last evaluated: 2025-10-06. Review status: criteria provided, single submitter. Criteria: Invitae Variant Classification Sherloc (09022015). Collection method: clinical testing. Allele origin: germline.
Comment: This sequence change replaces phenylalanine, which is neutral and non-polar, with leucine, which is neutral and non-polar, at codon 62 of the CDKN1B protein (p.Phe62Leu). This variant is not present in population databases (gnomAD no frequency). This variant has not been reported in the literature in individuals affected with CDKN1B-related conditions. ClinVar contains an entry for this variant (Variation ID: 1781642). An algorithm developed to predict the effect of missense changes on protein structure and function (PolyPhen-2) suggests that this variant is likely to be disruptive. In summary, the available evidence is currently insufficient to determine the role of this variant in disease. Therefore, it has been classified as a Variant of Uncertain Significance.

Ambry Genetics
Classification: Uncertain significance for Hereditary cancer-predisposing syndrome. Last evaluated: 2021-11-23. Review status: criteria provided, single submitter. Criteria: Ambry Variant Classification Scheme 2023. Collection method: clinical testing. Allele origin: germline.
Comment: The p.F62L variant (also known as c.186C>A), located in coding exon 1 of the CDKN1B gene, results from a C to A substitution at nucleotide position 186. The phenylalanine at codon 62 is replaced by leucine, an amino acid with highly similar properties. This amino acid position is highly conserved in available vertebrate species. In addition, this alteration is predicted to be deleterious by in silico analysis. Since supporting evidence is limited at this time, the clinical significance of this alteration remains unclear.

NM_004064.5(CDKN1B):c.186C>A (p.Phe62Leu)

Gene: CDKN1B (cyclin dependent kinase inhibitor 1B; plus strand). Cytogenetic location: 12p13.1.
Variant type: single nucleotide variant.
Coding change: c.186C>A on transcript NM_004064.5 (MANE Select); coding-DNA position 186, C replaced by A.
Protein change: p.Phe62Leu; replaces phenylalanine 62 with leucine.
Molecular consequence: missense variant.
Genome position (GRCh38, 1-based): chr12:12,718,025, C>A. VCF-style: chr12-12718025-C-A. GRCh37 (hg19) VCF-style: chr12-12870959-C-A.
Other names: short protein forms F62L.
Identifiers: ClinVar variation 1781642 (VCV001781642.3), dbSNP rs2136355737, ClinGen allele CA383969328.
Genomic context (GRCh38, chr12:12,718,025, plus strand): 5'-CCGGGACTTGGAGAAGCACTGCAGAGACATGGAAGAGGCGAGCCAGCGCAAGTGGAATTT[C>A]GATTTTCAGAATCACAAACCCCTAGAGGGCAAGTACGAGTGGCAAGAGGTGGAGAAGGGC-3'
Protein context (NP_004055.1, residues 52-72): MEEASQRKWN[Phe62Leu]DFQNHKPLEG